The following is an entry in ClinVar:

NM_001036.6(RYR3):c.4853C>G (p.Ala1618Gly)

Gene: RYR3 (ryanodine receptor 3; plus strand). Cytogenetic location: 15q14.
Variant type: single nucleotide variant.
Coding change: c.4853C>G on transcript NM_001036.6 (MANE Select); coding-DNA position 4853, C replaced by G.
Protein change: p.Ala1618Gly; replaces alanine 1618 with glycine.
Molecular consequence: missense variant.
Genome position (GRCh38, 1-based): chr15:33,662,383, C>G. VCF-style: chr15-33662383-C-G. GRCh37 (hg19) VCF-style: chr15-33954584-C-G.
Other names: c.4853C>G, p.Ala1618Gly (NM_001243996.4); short protein forms A1618G.
Identifiers: ClinVar variation 1054824 (VCV001054824.10), dbSNP rs2152706401, ClinGen allele CA391569895.

ClinVar aggregate classification (germline): Uncertain significance (1 of 4 stars; one submission).

Conditions:
Epileptic encephalopathy. Identifiers: MedGen C0543888, HP:0200134.

Submission:

Labcorp Genetics (formerly Invitae), Labcorp
Classification: Uncertain significance for Epileptic encephalopathy. Last evaluated: 2022-06-13. Review status: criteria provided, single submitter. Criteria: Invitae Variant Classification Sherloc (09022015). Collection method: clinical testing. Allele origin: germline.
Comment: In summary, the available evidence is currently insufficient to determine the role of this variant in disease. Therefore, it has been classified as a Variant of Uncertain Significance. Algorithms developed to predict the effect of missense changes on protein structure and function (SIFT, PolyPhen-2, Align-GVGD) all suggest that this variant is likely to be tolerated. ClinVar contains an entry for this variant (Variation ID: 1054824). This variant has not been reported in the literature in individuals affected with RYR3-related conditions. This variant is not present in population databases (gnomAD no frequency). This sequence change replaces alanine, which is neutral and non-polar, with glycine, which is neutral and non-polar, at codon 1618 of the RYR3 protein (p.Ala1618Gly).